The following is an entry in ClinVar:

NM_017654.4(SAMD9):c.2111del (p.Pro704fs)

Gene: SAMD9 (sterile alpha motif domain containing 9; minus strand). Cytogenetic location: 7q21.2.
Variant type: Deletion.
Coding change: c.2111del on transcript NM_017654.4 (MANE Select); coding-DNA position 2111, one base deleted (C; older notation c.2111delC).
Protein change: p.Pro704fs; shifts the reading frame from proline 704.
Molecular consequence: frameshift variant.
Genome position (GRCh38, 1-based): chr7:93,103,987, G deleted on the plus strand (C on the coding strand, the reverse complement: SAMD9 is on the minus strand); the first of 2 consecutive G bases (chr7:93,103,987-93,103,988); deleting either gives the same sequence. VCF-style (leftmost placement, unchanged base first): chr7-93103986-AG-A. GRCh37 (hg19) VCF-style: chr7-92733299-AG-A.
Other names: c.2111del, p.Pro704fs (NM_001193307.2); c.2111del (NM_017654.3); short protein forms P704fs.
Identifiers: ClinVar variation 1896607 (VCV001896607.5), dbSNP rs778402017, ClinGen allele CA4342890.

ClinVar aggregate classification (germline): Uncertain significance. Review status: criteria provided, multiple submitters, no conflicts (2 of 4 stars). 2 submissions from 2 submitters: Uncertain significance (2). Last evaluated 2024-09-09.

Submissions (2):

Labcorp Genetics (formerly Invitae), Labcorp
Classification: Uncertain significance. Last evaluated: 2024-09-09. Review status: criteria provided, single submitter. Criteria: Invitae Variant Classification Sherloc (09022015). Collection method: clinical testing. Allele origin: germline.
Comment: This sequence change creates a premature translational stop signal (p.Pro704Leufs*14) in the SAMD9 gene. While this is not anticipated to result in nonsense mediated decay, it is expected to disrupt the last 886 amino acid(s) of the SAMD9 protein. This variant is present in population databases (rs778402017, gnomAD 0.06%). This variant has not been reported in the literature in individuals affected with SAMD9-related conditions. ClinVar contains an entry for this variant (Variation ID: 1896607). Experimental studies and prediction algorithms are not available or were not evaluated, and the functional significance of this variant is currently unknown. In summary, the available evidence is currently insufficient to determine the role of this variant in disease. Therefore, it has been classified as a Variant of Uncertain Significance.

GeneDx
Classification: Uncertain significance. Last evaluated: 2023-03-28. Review status: criteria provided, single submitter. Criteria: GeneDx Variant Classification Process June 2021. Collection method: clinical testing. Allele origin: germline. Affected: yes.
Comment: Frameshift variant predicted to result in protein truncation, as the last 886 amino acids are replaced with 13 different amino acids, and other loss-of-function variants have been reported downstream; Identified in an individual undergoing NGS testing evaluating 4,813 genes with no specific clinical information provided (Wei et al., 2021); This variant is associated with the following publications: (PMID: 28545555, 32978145)